The following is an entry in ClinVar:

NM_000245.4(MET):c.2103-7dup

Gene: MET (MET proto-oncogene, receptor tyrosine kinase; plus strand). Cytogenetic location: 7q31.2.
Variant type: Duplication.
Coding change: c.2103-7dup on transcript NM_000245.4 (MANE Select); 7 bases into the intron before coding-DNA position 2103, one base duplicated (T; older notation c.2103-7dupT).
Molecular consequence: intron variant.
Genome position (GRCh38, 1-based): chr7:116,758,452, T duplicated; the last of 8 consecutive T bases (chr7:116,758,445-116,758,452); duplicating any one gives the same sequence. VCF-style (leftmost placement, unchanged base first): chr7-116758444-A-AT. GRCh37 (hg19) VCF-style: chr7-116398498-A-AT.
Other names: c.2103-7dup (NM_001127500.3, NM_001324401.3); c.813-7dup (NM_001324402.2).
Identifiers: ClinVar variation 1599659 (VCV001599659.9), dbSNP rs761227260, ClinGen allele CA4448407.

ClinVar aggregate classification (germline): Benign/Likely benign. Review status: criteria provided, multiple submitters, no conflicts (2 of 4 stars). 2 submissions from 2 submitters: Benign (1); Likely benign (1). Last evaluated 2024-11-08.

Conditions:
Renal cell carcinoma. Identifiers: Orphanet 217071, MedGen C0007134, MeSH D002292, MONDO:0005086, HP:0005584.
Papillary renal cell carcinoma type 1 (RCCP1). Also called: RENAL CELL CARCINOMA, PAPILLARY, 1, SOMATIC; Renal adenocarcinoma; Renal cell carcinoma 1; Renal cell carcinoma, somatic. Identifiers: Orphanet 47044, MedGen C1336839, OMIM 605074, HP:0011797.

Submissions (2):

Myriad Genetics, Inc.
Classification: Likely benign for Papillary renal cell carcinoma type 1. Last evaluated: 2024-11-08. Review status: criteria provided, single submitter. Criteria: Myriad Autosomal Dominant, Autosomal Recessive and X-Linked Classification Criteria (2023). Collection method: clinical testing. Allele origin: unknown.
Comment: This variant is considered likely benign. This variant is intronic and is not expected to impact mRNA splicing.

Labcorp Genetics (formerly Invitae), Labcorp
Classification: Benign for Renal cell carcinoma. Last evaluated: 2024-06-25. Review status: criteria provided, single submitter. Criteria: Invitae Variant Classification Sherloc (09022015). Collection method: clinical testing. Allele origin: germline.